The following is an entry in ClinVar:

NM_001079802.1(FKTN):c.657dup (p.Gln220Thrfs)

Gene: FKTN (fukutin; plus strand). Cytogenetic location: 9q31.2.
Variant type: Duplication.
Coding change: c.657dup on transcript NM_001079802.1; coding-DNA position 657, one base duplicated (A; older notation c.657dupA).
Protein change: p.Gln220Thrfs; shifts the reading frame from glutamine 220.
Molecular consequence: frameshift variant (on NM_001079802.2). On other transcripts: non-coding transcript variant (2).
Genome position (GRCh38, 1-based): chr9:105,607,828, A duplicated. VCF-style (leftmost placement, unchanged base first): chr9-105607827-T-TA. GRCh37 (hg19) VCF-style: chr9-108370108-T-TA.
Other names: c.657dup, p.Gln220fs (NM_001079802.2, NM_001198963.2, NM_001351496.2 and 2 more transcripts); c.588dup, p.Gln197fs (NM_001351497.2); c.261dup, p.Gln88fs (NM_001351499.2, NM_001351500.2, NM_001351501.2 and 1 more transcripts); short protein forms Q197fs, Q220fs, Q88fs.
Identifiers: ClinVar variation 501684 (VCV000501684.10), dbSNP rs1554754678, ClinGen allele CA658797263.

ClinVar aggregate classification (germline): Pathogenic. Review status: criteria provided, multiple submitters, no conflicts (2 of 4 stars). 2 submissions from 2 submitters: Pathogenic (2). Last evaluated 2023-09-11.

Conditions:
Walker-Warburg congenital muscular dystrophy. Also called: Muscular dystrophy-dystroglycanopathy, type A; Walker-Warburg syndrome. Identifiers: Orphanet 899, MedGen C0265221, MONDO:0000171.

Submissions (2):

Labcorp Genetics (formerly Invitae), Labcorp
Classification: Pathogenic for Walker-Warburg congenital muscular dystrophy. Last evaluated: 2023-09-11. Review status: criteria provided, single submitter. Criteria: Invitae Variant Classification Sherloc (09022015). Collection method: clinical testing. Allele origin: germline.
Comment: This sequence change creates a premature translational stop signal (p.Gln220Thrfs*6) in the FKTN gene. It is expected to result in an absent or disrupted protein product. Loss-of-function variants in FKTN are known to be pathogenic (PMID: 17044012, 17878207, 18752264). This variant is not present in population databases (gnomAD no frequency). For these reasons, this variant has been classified as Pathogenic. ClinVar contains an entry for this variant (Variation ID: 501684). This variant has not been reported in the literature in individuals affected with FKTN-related conditions.

Eurofins Ntd Llc (ga)
Classification: Pathogenic. Last evaluated: 2017-04-28. Review status: criteria provided, single submitter. Criteria: EGL Classification Definitions 2015. Collection method: clinical testing. Allele origin: germline. Observed: 1 variant allele, 1 heterozygote.

Literature cited by the submitters: PubMed 17044012 (cited by Labcorp Genetics (formerly Invitae), Labcorp); PubMed 17878207 (cited by Labcorp Genetics (formerly Invitae), Labcorp); PubMed 18752264 (cited by Labcorp Genetics (formerly Invitae), Labcorp).